The following is an entry in ClinVar:

ClinVar aggregate classification (germline): Uncertain significance (1 of 4 stars; one submission).

Submission:

Ambry Genetics
Classification: Uncertain significance. Last evaluated: 2022-02-10. Review status: criteria provided, single submitter. Criteria: Ambry Variant Classification Scheme 2023. Collection method: clinical testing. Allele origin: germline.
Comment: The p.W1263G variant (also known as c.3787T>G), located in coding exon 25 of the MYOM1 gene, results from a T to G substitution at nucleotide position 3787. The tryptophan at codon 1263 is replaced by glycine, an amino acid with highly dissimilar properties. This amino acid position is conserved. In addition, the in silico prediction for this alteration is inconclusive. Since supporting evidence is limited at this time, the clinical significance of this alteration remains unclear.

NM_003803.4(MYOM1):c.3787T>G (p.Trp1263Gly)

Gene: MYOM1 (myomesin 1; minus strand). Cytogenetic location: 18p11.31.
Variant type: single nucleotide variant.
Coding change: c.3787T>G on transcript NM_003803.4 (MANE Select); coding-DNA position 3787, T replaced by G.
Protein change: p.Trp1263Gly; replaces tryptophan 1263 with glycine.
Molecular consequence: missense variant.
Genome position (GRCh38, 1-based): chr18:3,094,247, A>C on the plus strand (T>G on the coding strand, the complement: MYOM1 is on the minus strand). VCF-style: chr18-3094247-A-C. GRCh37 (hg19) VCF-style: chr18-3094245-A-C.
Other names: c.3499T>G, p.Trp1167Gly (NM_019856.2); short protein forms W1167G, W1263G.
Identifiers: ClinVar variation 1734897 (VCV001734897.2), dbSNP rs2510522540, ClinGen allele CA401713435.